The following is an entry in ClinVar:

NM_000260.4(MYO7A):c.3445T>A (p.Ser1149Thr)

Gene: MYO7A (myosin VIIA; plus strand). Cytogenetic location: 11q13.5.
Variant type: single nucleotide variant.
Coding change: c.3445T>A on transcript NM_000260.4 (MANE Select); coding-DNA position 3445, T replaced by A.
Protein change: p.Ser1149Thr; replaces serine 1149 with threonine.
Molecular consequence: missense variant.
Genome position (GRCh38, 1-based): chr11:77,184,657, T>A. VCF-style: chr11-77184657-T-A. GRCh37 (hg19) VCF-style: chr11-76895702-T-A.
Other names: c.3445T>A, p.Ser1149Thr (NM_001127180.2); c.3412T>A, p.Ser1138Thr (NM_001369365.1); short protein forms S1138T, S1149T.
Identifiers: ClinVar variation 4799410 (VCV004799410.1).

ClinVar aggregate classification (germline): Uncertain significance (1 of 4 stars; one submission).

gnomAD v4.1: 1 of 1,592,222 alleles (0.000063%); highest among the groups gnomAD compares: African/African-American, 0.0013%; no homozygotes.

Submission:

Labcorp Genetics (formerly Invitae), Labcorp
Classification: Uncertain significance. Last evaluated: 2025-05-27. Review status: criteria provided, single submitter. Criteria: Invitae Variant Classification Sherloc (09022015). Collection method: clinical testing. Allele origin: germline.
Comment: This sequence change replaces serine, which is neutral and polar, with threonine, which is neutral and polar, at codon 1149 of the MYO7A protein (p.Ser1149Thr). This variant is not present in population databases (gnomAD no frequency). This variant has not been reported in the literature in individuals affected with MYO7A-related conditions. Invitae Evidence Modeling of protein sequence and biophysical properties (such as structural, functional, and spatial information, amino acid conservation, physicochemical variation, residue mobility, and thermodynamic stability) indicates that this missense variant is not expected to disrupt MYO7A protein function with a negative predictive value of 95%. In summary, the available evidence is currently insufficient to determine the role of this variant in disease. Therefore, it has been classified as a Variant of Uncertain Significance.